The following is an entry in ClinVar:

ClinVar aggregate classification (germline): Likely benign. Review status: criteria provided, multiple submitters, no conflicts (2 of 4 stars). 2 submissions from 2 submitters: Likely benign (2). Last evaluated 2026-06-30.

Conditions:
ADGRA3-related disorder. Also called: ADGRA3-related condition.

Allele frequency attached by ClinVar (database versions not stated): gnomAD 0.00001 and 0.00003; gnomAD exomes 0.00003 and 0.00008; TOPMed 0.00004; ExAC 0.00008; 1000 Genomes Project 0.00040; 1000 Genomes Project 30x 0.00047.
gnomAD v4.1: 54 of 1,613,298 alleles (0.0033%); highest among the groups gnomAD compares: East Asian, 0.053%; no homozygotes.

Submissions (2):

PreventionGenetics, part of Exact Sciences
Classification: Likely benign for ADGRA3-related condition. Last evaluated: 2026-06-30. Review status: criteria provided, single submitter. Criteria: ACMG Guidelines, 2015. Collection method: clinical testing. Allele origin: germline.
Comment: This variant is classified as likely benign based on ACMG/AMP sequence variant interpretation guidelines (Richards et al. 2015 PMID: 25741868, with internal and published modifications).

Labcorp Genetics (formerly Invitae), Labcorp
Classification: Likely benign. Last evaluated: 2025-10-26. Review status: criteria provided, single submitter. Criteria: Invitae Variant Classification Sherloc (09022015). Collection method: clinical testing. Allele origin: germline.

NM_145290.4(ADGRA3):c.687G>A (p.Lys229=)

Gene: ADGRA3 (adhesion G protein-coupled receptor A3; minus strand). Cytogenetic location: 4p15.2.
Variant type: single nucleotide variant.
Coding change: c.687G>A on transcript NM_145290.4 (MANE Select); coding-DNA position 687, G replaced by A.
Protein change: p.Lys229=; no amino-acid change (lysine 229 retained).
Molecular consequence: synonymous variant.
Genome position (GRCh38, 1-based): chr4:22,444,992, C>T on the plus strand (G>A on the coding strand, the complement: ADGRA3 is on the minus strand). VCF-style: chr4-22444992-C-T. GRCh37 (hg19) VCF-style: chr4-22446615-C-T.
Other names: c.687G>A (NM_145290.3).
Identifiers: ClinVar variation 1153936 (VCV001153936.10), dbSNP rs577270941, ClinGen allele CA2874177.